The following is an entry in ClinVar:

ClinVar aggregate classification (germline): Likely benign. Review status: criteria provided, single submitter (1 of 4 stars). 2 submissions from 2 submitters: Likely benign (1). 1 of the submissions does not count toward it. Last evaluated 2022-03-01.

Conditions:
MYO7B-related disorder. Also called: MYO7B-related condition.

Allele frequency attached by ClinVar (database versions not stated): gnomAD exomes 0.00009; ESP Exome Variant Server 0.00028; ExAC 0.00032; 1000 Genomes Project 30x 0.00047; gnomAD 0.00048; 1000 Genomes Project 0.00060; TOPMed 0.00063.
gnomAD v4.1: 204 of 1,551,778 alleles (0.013%); highest among the groups gnomAD compares: African/African-American, 0.17%; no homozygotes.

Submissions (2):

CeGaT Center for Human Genetics Tuebingen
Classification: Likely benign. Last evaluated: 2022-03-01. Review status: criteria provided, single submitter. Criteria: CeGaT Center For Human Genetics Tuebingen Variant Classification Criteria Version 2. Collection method: clinical testing. Allele origin: germline. Affected: yes. Observed: 1 variant allele.
Comment: MYO7B: BP4, BP7

PreventionGenetics, part of Exact Sciences
Classification: Likely benign for MYO7B-related condition. Last evaluated: 2019-09-18. Review status: no assertion criteria provided. Collection method: clinical testing. Allele origin: germline. Not counted in ClinVar's aggregate classification.
Comment: This variant is classified as likely benign based on ACMG/AMP sequence variant interpretation guidelines (Richards et al. 2015 PMID: 25741868, with internal and published modifications).

NM_001393586.1(MYO7B):c.3555G>A (p.Pro1185=)

Gene: MYO7B (myosin VIIB; plus strand). Cytogenetic location: 2q14.3.
Variant type: single nucleotide variant.
Coding change: c.3555G>A on transcript NM_001393586.1 (MANE Select); coding-DNA position 3555, G replaced by A.
Protein change: p.Pro1185=; no amino-acid change (proline 1185 retained).
Molecular consequence: synonymous variant.
Genome position (GRCh38, 1-based): chr2:127,622,011, G>A. VCF-style: chr2-127622011-G-A. GRCh37 (hg19) VCF-style: chr2-128379586-G-A.
Other names: c.36G>A, p.Pro12= (NM_001393594.1); c.3477G>A, p.Pro1159= (NM_001080527.2); c.3477G>A (NM_001080527.1).
Identifiers: ClinVar variation 2651332 (VCV002651332.25), dbSNP rs374621759, ClinGen allele CA1861486.